The following is an entry in ClinVar:

ClinVar aggregate classification (germline): Uncertain significance (1 of 4 stars; one submission).

Allele frequency attached by ClinVar (database versions not stated): TOPMed below 0.00001; gnomAD 0.00001.
gnomAD v4.1: 8 of 1,613,514 alleles (0.0005%); highest among the groups gnomAD compares: Non-Finnish European, 0.00068%; no homozygotes.

Submission:

Labcorp Genetics (formerly Invitae), Labcorp
Classification: Uncertain significance. Last evaluated: 2022-06-23. Review status: criteria provided, single submitter. Criteria: Invitae Variant Classification Sherloc (09022015). Collection method: clinical testing. Allele origin: germline.
Comment: In summary, the available evidence is currently insufficient to determine the role of this variant in disease. Therefore, it has been classified as a Variant of Uncertain Significance. Algorithms developed to predict the effect of missense changes on protein structure and function are either unavailable or do not agree on the potential impact of this missense change (SIFT: "Tolerated"; PolyPhen-2: "Probably Damaging"; Align-GVGD: "Class C0"). This variant has not been reported in the literature in individuals affected with RUSC2-related conditions. This variant is present in population databases (no rsID available, gnomAD 0.01%). This sequence change replaces serine, which is neutral and polar, with tyrosine, which is neutral and polar, at codon 1027 of the RUSC2 protein (p.Ser1027Tyr).

NM_014806.5(RUSC2):c.3080C>A (p.Ser1027Tyr)

Gene: RUSC2 (RUN and SH3 domain containing 2; plus strand). Cytogenetic location: 9p13.3.
Variant type: single nucleotide variant.
Coding change: c.3080C>A on transcript NM_014806.5 (MANE Select); coding-DNA position 3080, C replaced by A.
Protein change: p.Ser1027Tyr; replaces serine 1027 with tyrosine.
Molecular consequence: missense variant. On other transcripts: non-coding transcript variant (1).
Genome position (GRCh38, 1-based): chr9:35,558,216, C>A. VCF-style: chr9-35558216-C-A. GRCh37 (hg19) VCF-style: chr9-35558213-C-A.
Other names: c.3080C>A, p.Ser1027Tyr (NM_001135999.2); c.446C>A, p.Ser149Tyr (NM_001330740.2); short protein forms S149Y, S1027Y.
Identifiers: ClinVar variation 1949596 (VCV001949596.5), dbSNP rs1175178596, ClinGen allele CA373347673.